The following is an entry in ClinVar:

NM_000400.4(ERCC2):c.468A>C (p.Arg156=)

Gene: ERCC2 (ERCC excision repair 2, TFIIH core complex helicase subunit; minus strand). Cytogenetic location: 19q13.32.
Variant type: single nucleotide variant.
Coding change: c.468A>C on transcript NM_000400.4 (MANE Select); coding-DNA position 468, A replaced by C.
Protein change: p.Arg156=; no amino-acid change (arginine 156 retained).
Molecular consequence: synonymous variant.
Genome position (GRCh38, 1-based): chr19:45,365,051, T>G on the plus strand (A>C on the coding strand, the complement: ERCC2 is on the minus strand). VCF-style: chr19-45365051-T-G. GRCh37 (hg19) VCF-style: chr19-45868309-T-G.
Other names: c.396A>C, p.Arg132= (NM_001130867.2).
Identifiers: ClinVar variation 256021 (VCV000256021.30), dbSNP rs238406, ClinGen allele CA9513781.

ClinVar aggregate classification (germline): Benign/Likely benign. Review status: criteria provided, multiple submitters, no conflicts (2 of 4 stars). 13 submissions from 11 submitters: Benign (10); Likely benign (1). 2 of the submissions do not count toward it. Last evaluated 2026-02-04.

Conditions:
Trichothiodystrophy 1, photosensitive (TTD1). Also called: TAY SYNDROME; TRICHOTHIODYSTROPHY WITH CONGENITAL ICHTHYOSIS; PIBIDS SYNDROME. Identifiers: Orphanet 33364, MedGen C1866504, MONDO:0011125, OMIM 601675.
Cerebrooculofacioskeletal syndrome 2 (COFS2). Identifiers: MedGen C1853102, MONDO:0012553, OMIM 610756.
Xeroderma pigmentosum, group D (XPD). Also called: XERODERMA PIGMENTOSUM, COMPLEMENTATION GROUP D; XERODERMA PIGMENTOSUM IV; XP, GROUP D; XP, GROUP H; ERCC2-Related Xeroderma Pigmentosum. Identifiers: MedGen C0268138, MONDO:0010212, OMIM 278730.

Allele frequency attached by ClinVar (database versions not stated): gnomAD exomes 0.56130 and 0.57963; ExAC 0.58981; 1000 Genomes Project 0.63618; 1000 Genomes Project 30x 0.63991; gnomAD 0.64179 and 0.64842; TOPMed 0.64723; ESP Exome Variant Server 0.66254.
gnomAD v4.1: 917,952 of 1,612,802 alleles (57%); highest among the groups gnomAD compares: African/African-American, 87%; 265,686 homozygotes.

Submissions (13):

Labcorp Genetics (formerly Invitae), Labcorp
Classification: Benign. Last evaluated: 2026-02-04. Review status: criteria provided, single submitter. Criteria: Invitae Variant Classification Sherloc (09022015). Collection method: clinical testing. Allele origin: germline.

Blueprint Genetics
Classification: Likely benign. Last evaluated: 2024-11-28. Review status: criteria provided, single submitter. Criteria: ACMG Guidelines, 2015. Collection method: clinical testing. Allele origin: germline.

KCCC/NGS Laboratory, Kuwait Cancer Control Center
Classification: Benign for Xeroderma pigmentosum, group D. Last evaluated: 2023-07-07. Review status: criteria provided, single submitter. Criteria: ACMG Guidelines, 2015. Collection method: clinical testing. Allele origin: germline. Affected: yes.

Genome-Nilou Lab
Classification: Benign for Cerebrooculofacioskeletal syndrome 2. Last evaluated: 2021-07-30. Review status: criteria provided, single submitter. Criteria: ACMG Guidelines, 2015. Collection method: clinical testing. Allele origin: germline. Affected: no.

Genome-Nilou Lab
Classification: Benign for Trichothiodystrophy 1, photosensitive. Last evaluated: 2021-07-30. Review status: criteria provided, single submitter. Criteria: ACMG Guidelines, 2015. Collection method: clinical testing. Allele origin: germline. Affected: no.

Genome-Nilou Lab
Classification: Benign for Xeroderma pigmentosum, group D. Last evaluated: 2021-07-30. Review status: criteria provided, single submitter. Criteria: ACMG Guidelines, 2015. Collection method: clinical testing. Allele origin: germline. Affected: no.

GeneDx
Classification: Benign. Last evaluated: 2018-11-10. Review status: criteria provided, single submitter. Criteria: GeneDx Variant Classification Process June 2021. Collection method: clinical testing. Allele origin: germline. Affected: yes.
Comment: This variant is associated with the following publications: (PMID: 27888704, 25209577, 15896456, 18230301)

Illumina Laboratory Services, Illumina
Classification: Benign for Xeroderma pigmentosum, group D. Last evaluated: 2018-03-06. Review status: criteria provided, single submitter. Criteria: ICSL Variant Classification Criteria 13 December 2019. Collection method: clinical testing. Allele origin: germline.
Comment: This variant was observed in the ICSL laboratory as part of a predisposition screen in an ostensibly healthy population. It had not been previously curated by ICSL or reported in the Human Gene Mutation Database (HGMD: prior to June 1st, 2018), and was therefore a candidate for classification through an automated scoring system. Utilizing variant allele frequency, disease prevalence and penetrance estimates, and inheritance mode, an automated score was calculated to assess if this variant is too frequent to cause the disease. Based on the score and internal cut-off values, a variant classified as benign is not then subjected to further curation. The score for this variant resulted in a classification of benign for this disease.

Laboratory for Molecular Medicine, Mass General Brigham Personalized Medicine
Classification: Benign. Last evaluated: 2016-03-28. Review status: criteria provided, single submitter. Criteria: LMM Criteria. Collection method: clinical testing. Allele origin: germline.
Comment: Variant identified in a genome or exome case(s) and assessed due to predicted null impact of the variant or pathogenic assertions in the literature or databases. Disclaimer: This variant has not undergone full assessment. The following are preliminary notes: Frequency

Breakthrough Genomics
Classification: Benign. Review status: criteria provided, single submitter. Criteria: ACMG Guidelines, 2015. Collection method: not provided. Allele origin: germline. Inheritance: Autosomal recessive inheritance. Affected: yes.

PreventionGenetics, part of Exact Sciences
Classification: Benign. Review status: criteria provided, single submitter. Criteria: ACMG Guidelines, 2015. Collection method: clinical testing. Allele origin: germline.

Clinical Genetics DNA and cytogenetics Diagnostics Lab, Erasmus MC, Erasmus Medical Center
Classification: Benign. Review status: no assertion criteria provided. Collection method: clinical testing. Allele origin: germline. Affected: yes. Study: VKGL Data-share Consensus. Not counted in ClinVar's aggregate classification.

Diagnostic Laboratory, Department of Genetics, University Medical Center Groningen
Classification: Benign. Review status: no assertion criteria provided. Collection method: clinical testing. Allele origin: germline. Affected: yes. Study: VKGL Data-share Consensus. Not counted in ClinVar's aggregate classification.